The following is an entry in ClinVar:

NM_004535.3(MYT1):c.412A>G (p.Lys138Glu)

Gene: MYT1 (myelin transcription factor 1; plus strand). Cytogenetic location: 20q13.33.
Variant type: single nucleotide variant.
Coding change: c.412A>G on transcript NM_004535.3 (MANE Select); coding-DNA position 412, A replaced by G.
Protein change: p.Lys138Glu; replaces lysine 138 with glutamic acid.
Molecular consequence: missense variant.
Genome position (GRCh38, 1-based): chr20:64,207,608, A>G. VCF-style: chr20-64207608-A-G. GRCh37 (hg19) VCF-style: chr20-62838961-A-G.
Other names: short protein forms K138E.
Identifiers: ClinVar variation 3037487 (VCV003037487.2), dbSNP rs148972645, ClinGen allele CA9974584.

ClinVar aggregate classification (germline): Likely benign (0 of 4 stars; one submission).

Conditions:
MYT1-related disorder. Also called: MYT1-related condition.

Allele frequency attached by ClinVar (database versions not stated): 1000 Genomes Project 0.00020; 1000 Genomes Project 30x 0.00031; ExAC 0.00071; TOPMed 0.00085; gnomAD 0.00099; ESP Exome Variant Server 0.00138; gnomAD exomes 0.00167.
gnomAD v4.1: 2,537 of 1,613,234 alleles (0.16%); highest among the groups gnomAD compares: Non-Finnish European, 0.21%; 2 homozygotes.

Submission:

PreventionGenetics, part of Exact Sciences
Classification: Likely benign for MYT1-related condition. Last evaluated: 2023-03-23. Review status: no assertion criteria provided. Collection method: clinical testing. Allele origin: germline.
Comment: This variant is classified as likely benign based on ACMG/AMP sequence variant interpretation guidelines (Richards et al. 2015 PMID: 25741868, with internal and published modifications).